The following is an entry in ClinVar:

ClinVar aggregate classification (germline): Uncertain significance (1 of 4 stars; one submission).

Conditions:
Autosomal dominant nonsyndromic hearing loss 1. Also called: KONIGSMARK SYNDROME; DEAFNESS, AUTOSOMAL DOMINANT 1, WITH OR WITHOUT THROMBOCYTOPENIA. Identifiers: Orphanet 90635, MedGen C1852282, MONDO:0007424, OMIM 124900.
Progressive microcephaly-seizures-cortical blindness-developmental delay syndrome. Also called: Seizures, cortical blindness, and microcephaly syndrome. Identifiers: Orphanet 477814, MedGen C5567650, MONDO:0014714, OMIM 616632.

Submission:

Labcorp Genetics (formerly Invitae), Labcorp
Classification: Uncertain significance for Progressive microcephaly-seizures-cortical blindness-developmental delay syndrome; Autosomal dominant nonsyndromic hearing loss 1. Last evaluated: 2025-03-05. Review status: criteria provided, single submitter. Criteria: Invitae Variant Classification Sherloc (09022015). Collection method: clinical testing. Allele origin: germline.
Comment: This variant, c.2040_2117del, results in the deletion of 26 amino acid(s) of the DIAPH1 protein (p.Ser684_Gly709del), but otherwise preserves the integrity of the reading frame. This variant is not present in population databases (gnomAD no frequency). This variant has not been reported in the literature in individuals affected with DIAPH1-related conditions. Experimental studies and prediction algorithms are not available or were not evaluated, and the functional significance of this variant is currently unknown. In summary, the available evidence is currently insufficient to determine the role of this variant in disease. Therefore, it has been classified as a Variant of Uncertain Significance.

NM_005219.5(DIAPH1):c.2040_2117del (p.Ser684_Gly709del)

Gene: DIAPH1 (diaphanous related formin 1; minus strand). Cytogenetic location: 5q31.3.
Variant type: Deletion.
Coding change: c.2040_2117del on transcript NM_005219.5 (MANE Select); coding-DNA positions 2040 to 2117, 78 bases deleted.
Protein change: p.Ser684_Gly709del.
Genome position (GRCh38, 1-based): chr5:141,573,733-141,573,810, 78 bases deleted. GRCh37 (hg19): chr5:140,953,315-140,953,392.
Other names: c.2013_2090del, p.Ser675_Gly700del (NM_001079812.3); c.2040_2117del, p.Ser684_Gly709del (NM_001314007.2).
Identifiers: ClinVar variation 4784352 (VCV004784352.1).